The following is an entry in ClinVar:

NM_021922.3(FANCE):c.356A>C (p.Gln119Pro)

Gene: FANCE (FA complementation group E; plus strand). Cytogenetic location: 6p21.31.
Variant type: single nucleotide variant.
Coding change: c.356A>C on transcript NM_021922.3 (MANE Select); coding-DNA position 356, A replaced by C.
Protein change: p.Gln119Pro; replaces glutamine 119 with proline.
Molecular consequence: missense variant.
Genome position (GRCh38, 1-based): chr6:35,455,854, A>C. VCF-style: chr6-35455854-A-C. GRCh37 (hg19) VCF-style: chr6-35423631-A-C.
Other names: short protein forms Q119P.
Identifiers: ClinVar variation 664609 (VCV000664609.7), dbSNP rs781123077, ClinGen allele CA137294496.

ClinVar aggregate classification (germline): Uncertain significance. Review status: criteria provided, multiple submitters, no conflicts (2 of 4 stars). 2 submissions from 2 submitters: Uncertain significance (2). Last evaluated 2022-07-20.

Conditions:
Fanconi anemia complementation group E (FANCE). Also called: FANCE-Related Fanconi Anemia. Identifiers: Orphanet 84, MedGen C3160739, MONDO:0010953, OMIM 600901.

Allele frequency attached by ClinVar (database versions not stated): gnomAD 0.00003 and 0.00004; TOPMed 0.00005; gnomAD exomes 0.00006 and 0.00008.
gnomAD v4.1: 123 of 1,614,042 alleles (0.0076%); highest among the groups gnomAD compares: Admixed American, 0.035%; no homozygotes.

Submissions (2):

Labcorp Genetics (formerly Invitae), Labcorp
Classification: Uncertain significance for Fanconi anemia complementation group E. Last evaluated: 2022-07-20. Review status: criteria provided, single submitter. Criteria: Invitae Variant Classification Sherloc (09022015). Collection method: clinical testing. Allele origin: germline.
Comment: This sequence change replaces glutamine, which is neutral and polar, with proline, which is neutral and non-polar, at codon 119 of the FANCE protein (p.Gln119Pro). This variant is present in population databases (rs781123077, gnomAD 0.03%). This variant has not been reported in the literature in individuals affected with FANCE-related conditions. ClinVar contains an entry for this variant (Variation ID: 664609). Algorithms developed to predict the effect of missense changes on protein structure and function are either unavailable or do not agree on the potential impact of this missense change (SIFT: "Tolerated"; PolyPhen-2: "Possibly Damaging"; Align-GVGD: "Class C0"). In summary, the available evidence is currently insufficient to determine the role of this variant in disease. Therefore, it has been classified as a Variant of Uncertain Significance.

Fulgent Genetics
Classification: Uncertain significance for Fanconi anemia complementation group E. Last evaluated: 2021-11-11. Review status: criteria provided, single submitter. Criteria: ACMG Guidelines, 2015. Collection method: clinical testing. Allele origin: unknown.